The following is an entry in ClinVar:

NM_001267550.2(TTN):c.26148A>G (p.Lys8716=)

Gene: TTN (titin; minus strand). Cytogenetic location: 2q31.2.
Variant type: single nucleotide variant.
Coding change: c.26148A>G on transcript NM_001267550.2 (MANE Select); coding-DNA position 26148, A replaced by G.
Protein change: p.Lys8716=; no amino-acid change (lysine 8716 retained).
Molecular consequence: synonymous variant. On other transcripts: intron variant (3).
Genome position (GRCh38, 1-based): chr2:178,715,038, T>C on the plus strand (A>G on the coding strand, the complement: TTN is on the minus strand). VCF-style: chr2-178715038-T-C. GRCh37 (hg19) VCF-style: chr2-179579765-T-C.
Other names: c.25197A>G, p.Lys8399= (NM_001256850.1); c.22416A>G, p.Lys7472= (NM_133378.4); c.13282+23044A>G (NM_003319.4); c.13858+23044A>G (NM_133437.4); c.13657+23044A>G (NM_133432.3).
Identifiers: ClinVar variation 392263 (VCV000392263.16), dbSNP rs778772942, ClinGen allele CA2000067.
Genomic context (GRCh38, chr2:178,715,038, plus strand): 5'-CATCTAACCTTTGAGAGCGATGGAACCAACGCAAGTGTCGCTTCCCACATCATTTGTGGC[T>C]TTACACTGATATTCCCCAATGTCTGCAGCATCGACATTCAGGATGTGGATACTGGTTAGG-3'
Protein context (NP_001254479.2, residues 8706-8726): DAADIGEYQC[Lys8716=]ATNDVGSDTC

ClinVar aggregate classification (germline): Conflicting classifications of pathogenicity. Review status: criteria provided, conflicting classifications (1 of 4 stars). 4 submissions from 4 submitters: Uncertain significance (1); Likely benign (3). Last evaluated 2026-03-10.

Conditions:
TTN-related disorder. Also called: TTN-related disorders; TTN-related condition; TTN-related disease.
Autosomal recessive limb-girdle muscular dystrophy type 2J (LGMDR10). Also called: Limb-girdle muscular dystrophy, type 2J; MUSCULAR DYSTROPHY, LIMB-GIRDLE, AUTOSOMAL RECESSIVE 10. Identifiers: Orphanet 140922, MedGen C1837342, MONDO:0012127, OMIM 608807.
Dilated cardiomyopathy 1G (CMD1G). Identifiers: Orphanet 154, MedGen C1858763, MONDO:0011400, OMIM 604145.

Allele frequency attached by ClinVar (database versions not stated): ExAC 0.00001; gnomAD exomes 0.00002 and 0.00003; gnomAD 0.00003 and 0.00004; TOPMed 0.00003.
gnomAD v4.1: 44 of 1,613,474 alleles (0.0027%); highest among the groups gnomAD compares: Non-Finnish European, 0.0035%; no homozygotes.

Submissions (4):

PreventionGenetics, part of Exact Sciences
Classification: Likely benign for TTN-related condition. Last evaluated: 2026-03-10. Review status: criteria provided, single submitter. Criteria: ACMG Guidelines, 2015. Collection method: clinical testing. Allele origin: germline.
Comment: This variant is classified as likely benign based on ACMG/AMP sequence variant interpretation guidelines (Richards et al. 2015 PMID: 25741868, with internal and published modifications).

Labcorp Genetics (formerly Invitae), Labcorp
Classification: Likely benign for Dilated cardiomyopathy 1G; Autosomal recessive limb-girdle muscular dystrophy type 2J. Last evaluated: 2025-11-06. Review status: criteria provided, single submitter. Criteria: Invitae Variant Classification Sherloc (09022015). Collection method: clinical testing. Allele origin: germline.

Revvity Omics, Revvity
Classification: Uncertain significance. Last evaluated: 2022-05-26. Review status: criteria provided, single submitter. Criteria: ACMG Guidelines, 2015. Collection method: clinical testing. Allele origin: germline.

GeneDx
Classification: Likely benign. Last evaluated: 2021-05-26. Review status: criteria provided, single submitter. Criteria: GeneDx Variant Classification Process June 2021. Collection method: clinical testing. Allele origin: germline. Affected: yes.
Comment: This variant is associated with the following publications: (PMID: 30847666)